The following is an entry in ClinVar:

ClinVar aggregate classification (germline): Uncertain significance. Review status: criteria provided, multiple submitters, no conflicts (2 of 4 stars). 2 submissions from 2 submitters: Uncertain significance (2). Last evaluated 2024-08-27.

Conditions:
Spastic paraplegia. Identifiers: MedGen C0037772, HP:0001258.
Hereditary spastic paraplegia 15 (SPG15). Also called: SPASTIC PARAPLEGIA 15, AUTOSOMAL RECESSIVE; KJELLIN SYNDROME; SPASTIC PARAPLEGIA AND RETINAL DEGENERATION. Identifiers: Orphanet 100996, MedGen C1849128, MONDO:0010044, OMIM 270700.

Allele frequency attached by ClinVar (database versions not stated): gnomAD exomes below 0.00001; TOPMed below 0.00001.
gnomAD v4.1: 2 of 1,614,054 alleles (0.00012%); highest among the groups gnomAD compares: Non-Finnish European, 0.00017%; no homozygotes.

Submissions (2):

Labcorp Genetics (formerly Invitae), Labcorp
Classification: Uncertain significance for Spastic paraplegia. Last evaluated: 2024-08-27. Review status: criteria provided, single submitter. Criteria: Invitae Variant Classification Sherloc (09022015). Collection method: clinical testing. Allele origin: germline.
Comment: This sequence change replaces alanine, which is neutral and non-polar, with proline, which is neutral and non-polar, at codon 1694 of the ZFYVE26 protein (p.Ala1694Pro). This variant is not present in population databases (gnomAD no frequency). This variant has not been reported in the literature in individuals affected with ZFYVE26-related conditions. ClinVar contains an entry for this variant (Variation ID: 313891). An algorithm developed to predict the effect of missense changes on protein structure and function (PolyPhen-2) suggests that this variant is likely to be disruptive. In summary, the available evidence is currently insufficient to determine the role of this variant in disease. Therefore, it has been classified as a Variant of Uncertain Significance.

Illumina Laboratory Services, Illumina
Classification: Uncertain significance for Hereditary spastic paraplegia 15. Last evaluated: 2018-01-12. Review status: criteria provided, single submitter. Criteria: ICSL Variant Classification Criteria 13 December 2019. Collection method: clinical testing. Allele origin: germline.

NM_015346.4(ZFYVE26):c.5080G>C (p.Ala1694Pro)

Gene: ZFYVE26 (zinc finger FYVE-type containing 26; minus strand). Cytogenetic location: 14q24.1.
Variant type: single nucleotide variant.
Coding change: c.5080G>C on transcript NM_015346.4 (MANE Select); coding-DNA position 5080, G replaced by C.
Protein change: p.Ala1694Pro; replaces alanine 1694 with proline.
Molecular consequence: missense variant.
Genome position (GRCh38, 1-based): chr14:67,776,001, C>G on the plus strand (G>C on the coding strand, the complement: ZFYVE26 is on the minus strand). VCF-style: chr14-67776001-C-G. GRCh37 (hg19) VCF-style: chr14-68242718-C-G.
Other names: short protein forms A1694P.
Identifiers: ClinVar variation 313891 (VCV000313891.7), dbSNP rs886050654, ClinGen allele CA10645797.